The following is an entry in ClinVar:

NM_006231.4(POLE):c.6539C>T (p.Ala2180Val)

Gene: POLE (DNA polymerase epsilon, catalytic subunit; minus strand). Cytogenetic location: 12q24.33.
Variant type: single nucleotide variant.
Coding change: c.6539C>T on transcript NM_006231.4 (MANE Select); coding-DNA position 6539, C replaced by T.
Protein change: p.Ala2180Val; replaces alanine 2180 with valine.
Molecular consequence: missense variant.
Genome position (GRCh38, 1-based): chr12:132,625,763, G>A on the plus strand (C>T on the coding strand, the complement: POLE is on the minus strand). VCF-style: chr12-132625763-G-A. GRCh37 (hg19) VCF-style: chr12-133202349-G-A.
Other names: short protein forms A2180V.
Identifiers: ClinVar variation 246197 (VCV000246197.47), dbSNP rs552452448, ClinGen allele CA6892131.

ClinVar aggregate classification (germline): Conflicting classifications of pathogenicity. Review status: criteria provided, conflicting classifications (1 of 4 stars). 8 submissions from 8 submitters: Uncertain significance (4); Benign (2); Likely benign (1). 1 of the submissions does not count toward it. Last evaluated 2026-01-19.

Conditions:
Polymerase proofreading-related adenomatous polyposis. Also called: Polymerase proofreading associated polyposis; Polymerase proofreading–associated polyposis (PPAP). Identifiers: Orphanet 447877, MedGen C5202613, MONDO:0018653.
Hereditary cancer-predisposing syndrome. Also called: Tumor predisposition; Hereditary Cancer Syndrome; Neoplastic Syndromes, Hereditary; Hereditary neoplastic syndrome. Identifiers: Orphanet 140162, MedGen C0027672, MeSH D009386, MONDO:0015356.

Allele frequency attached by ClinVar (database versions not stated): TOPMed 0.00003; gnomAD 0.00004 and 0.00008; gnomAD exomes 0.00008 and 0.00020; 1000 Genomes Project 30x 0.00016; 1000 Genomes Project 0.00020; ExAC 0.00022.
gnomAD v4.1: 135 of 1,610,774 alleles (0.0084%); highest among the groups gnomAD compares: South Asian, 0.11%; no homozygotes.

Submissions (8):

Labcorp Genetics (formerly Invitae), Labcorp
Classification: Likely benign. Last evaluated: 2026-01-19. Review status: criteria provided, single submitter. Criteria: Invitae Variant Classification Sherloc (09022015). Collection method: clinical testing. Allele origin: germline.

Center for Genomic Medicine, Rigshospitalet, Copenhagen University Hospital
Classification: Uncertain significance. Last evaluated: 2025-03-04. Review status: criteria provided, single submitter. Criteria: ACMG Guidelines, 2015. Collection method: clinical testing. Allele origin: germline.

CeGaT Center for Human Genetics Tuebingen
Classification: Uncertain significance. Last evaluated: 2025-02-01. Review status: criteria provided, single submitter. Criteria: CeGaT Center For Human Genetics Tuebingen Variant Classification Criteria Version 2. Collection method: clinical testing. Allele origin: germline. Affected: yes. Observed: 1 variant allele.
Comment: POLE: PM2, BP4

Ambry Genetics
Classification: Benign for Hereditary cancer-predisposing syndrome. Last evaluated: 2024-06-25. Review status: criteria provided, single submitter. Criteria: Ambry Variant Classification Scheme 2023. Collection method: clinical testing. Allele origin: germline.

Revvity Omics, Revvity
Classification: Uncertain significance. Last evaluated: 2023-06-12. Review status: criteria provided, single submitter. Criteria: ACMG Guidelines, 2015. Collection method: clinical testing. Allele origin: germline.

GeneDx
Classification: Uncertain significance. Last evaluated: 2020-12-01. Review status: criteria provided, single submitter. Criteria: GeneDx Variant Classification Process June 2021. Collection method: clinical testing. Allele origin: germline. Affected: yes.
Comment: In silico analysis supports that this missense variant does not alter protein structure/function; Has not been previously published as pathogenic or benign to our knowledge; This variant is associated with the following publications: (PMID: 22980975, 28427513)

Women's Health and Genetics/Laboratory Corporation of America, LabCorp
Classification: Benign. Last evaluated: 2017-07-28. Review status: criteria provided, single submitter. Criteria: LabCorp Variant Classification Summary - May 2015. Collection method: clinical testing. Allele origin: germline.
Comment: Variant summary: The POLE c.6539C>T (p.Ala2180Val) variant involves the alteration of a conserved nucleotide. 4/5 in silico tools predict a benign outcome for this variant. This variant was found in 26/120212 control chromosomes at a frequency of 0.0002163, which is approximately 15 times the estimated maximal expected allele frequency of a pathogenic POLE variant (0.0000142). The variant is also identified in gnomAD dataset at a frequency 0.00019 (51/273776 chrs tested), predominantly in individuals of South Asian descent (0.0014; 43/30768 chrs tested), suggesting that this change is likely to be a functional ethnic polymorphism. The variant of interest has not, to our knowledge, been reported in affected individuals via publications. Taken together, this variant is classified as Benign.

Department of Pathology and Laboratory Medicine, Sinai Health System
Classification: Uncertain significance for Polymerase proofreading-related adenomatous polyposis. Review status: no assertion criteria provided. Collection method: clinical testing. Allele origin: unknown. Affected: yes. Study: The Canadian Open Genetics Repository (COGR). Not counted in ClinVar's aggregate classification.
Comment: The POLE p.Ala2180Val variant was identified in 1 of 448 proband chromosomes (frequency: 0.002) from individuals or families with colorectal cancer (Bourdais 2017). The variant was also identified in dbSNP (ID: rs552452448) as "With Uncertain significance allele", ClinVar (classified as benign by Integrated Genetics/Laboratory Corporation of America; as likely benign by Invitae; and as uncertain significance by GeneDx). The variant was identified in control databases in 51 of 273776 chromosomes at a frequency of 0.0002 (Genome Aggregation Database Feb 27, 2017). The variant was observed in the following populations: African in 1 of 24006 chromosomes (freq: 0.00004), Other in 1 of 6438 chromosomes (freq: 0.0002), Latino in 1 of 34412 chromosomes (freq: 0.00003), East Asian in 5 of 18858 chromosomes (freq: 0.0003), and South Asian in 43 of 30768 chromosomes (freq: 0.001), while the variant was not observed in the European, Ashkenazi Jewish, or Finnish populations. The p.Ala2180 residue is conserved in mammals but not in more distantly related organisms however computational analyses (PolyPhen-2, SIFT, AlignGVGD, BLOSUM, MutationTaster) do not suggest a high likelihood of impact to the protein; this information is not predictive enough to rule out pathogenicity. The variant occurs outside of the splicing consensus sequence and in silico or computational prediction software programs (SpliceSiteFinder, MaxEntScan, NNSPLICE, GeneSplicer) do not predict a difference in splicing. In summary, based on the above information, the clinical significance of this variant cannot be determined with certainty at this time. This variant is classified as a variant of uncertain significance.

Literature cited by the submitters: PubMed 32984025 (cited by Center for Genomic Medicine, Rigshospitalet, Copenhagen University Hospital); PubMed 22980975 (cited by Women's Health and Genetics/Laboratory Corporation of America, LabCorp); PubMed 28427513 (cited by Women's Health and Genetics/Laboratory Corporation of America, LabCorp).